The following is an entry in ClinVar:

ClinVar aggregate classification (germline): Uncertain significance (1 of 4 stars; one submission).

Submission:

Ambry Genetics
Classification: Uncertain significance. Last evaluated: 2026-02-24. Review status: criteria provided, single submitter. Criteria: Ambry Variant Classification Scheme 2023. Collection method: clinical testing. Allele origin: germline.
Comment: The c.2515G>A (p.G839R) alteration is located in exon 20 (coding exon 20) of the GIGYF1 gene. This alteration results from a G to A substitution at nucleotide position 2515, causing the glycine (G) at amino acid position 839 to be replaced by an arginine (R). Based on data from gnomAD, the A allele has an overall frequency of 0.003% (1/31356) total alleles studied. The highest observed frequency was 0.012% (1/8694) of African alleles. Based on insufficient or conflicting evidence, the clinical significance of this alteration remains unclear.

NM_022574.4:c.2515G>A

Gene: GIGYF1 (GRB10 interacting GYF protein 1; minus strand).
Variant type: single nucleotide variant.
Identifiers: ClinVar variation 4840405 (VCV004840405.1).